The following is an entry in ClinVar:

NM_001083962.2(TCF4):c.670del (p.Ser224fs)

Gene: TCF4 (transcription factor 4; minus strand). Cytogenetic location: 18q21.2.
Variant type: Deletion.
Coding change: c.670del on transcript NM_001083962.2 (MANE Select); coding-DNA position 670, one base deleted (A; older notation c.670delA).
Protein change: p.Ser224fs; shifts the reading frame from serine 224.
Molecular consequence: frameshift variant.
Genome position (GRCh38, 1-based): chr18:55,275,738, T deleted on the plus strand (A on the coding strand, the reverse complement: TCF4 is on the minus strand). VCF-style (leftmost placement, unchanged base first): chr18-55275737-CT-C. GRCh37 (hg19) VCF-style: chr18-52942968-CT-C.
Other names: c.976del, p.Ser326fs (NM_001243226.3); c.598del, p.Ser200fs (NM_001243227.2, NM_001306207.1, NM_001348217.1 and 9 more transcripts); c.688del, p.Ser230fs (NM_001243228.2); c.664del, p.Ser222fs (NM_001243230.2); c.544del, p.Ser182fs (NM_001243231.2, NM_001348211.2); c.457del, p.Ser153fs (NM_001243232.1, NM_001306208.1); c.280del, p.Ser94fs (NM_001243233.2, NM_001330605.3, NM_001348212.2 and 1 more transcripts); c.190del, p.Ser64fs (NM_001243234.2, NM_001243235.2, NM_001243236.2 and 2 more transcripts); and 4 more; short protein forms S222fs, S230fs, S326fs, S64fs, S199fs, S200fs, S224fs, S182fs.
Identifiers: ClinVar variation 1451556 (VCV001451556.6), dbSNP rs2146148271, ClinGen allele CA2573155432.
Genomic context (GRCh38, chr18:55,275,737, plus strand): 5'-TTGCCCAACATTCCTGCATAGCCAGGCTGATTCATCCCACTGGAGGAGCTCCAAGGGTCA[CT>C]GCTGTGATGGCCATCTGTAAAGGACAAAGACAACCATGACTTTCTGAGGCATTCAGCCTT-3'

ClinVar aggregate classification (germline): Pathogenic (1 of 4 stars; one submission).

Conditions:
Pitt-Hopkins syndrome (PTHS). Also called: ENCEPHALOPATHY, SEVERE EPILEPTIC, WITH AUTONOMIC DYSFUNCTION; MENTAL RETARDATION, SYNDROMAL, WITH INTERMITTENT HYPERVENTILATION. Identifiers: Orphanet 2896, MedGen C1970431, MONDO:0012589, OMIM 610954.

Submission:

Labcorp Genetics (formerly Invitae), Labcorp
Classification: Pathogenic for Pitt-Hopkins syndrome. Last evaluated: 2021-09-10. Review status: criteria provided, single submitter. Criteria: Invitae Variant Classification Sherloc (09022015). Collection method: clinical testing. Allele origin: germline.
Comment: For these reasons, this variant has been classified as Pathogenic. This variant has not been reported in the literature in individuals affected with TCF4-related conditions. This variant is not present in population databases (ExAC no frequency). This sequence change creates a premature translational stop signal (p.Ser224Valfs*10) in the TCF4 gene. It is expected to result in an absent or disrupted protein product. Loss-of-function variants in TCF4 are known to be pathogenic (PMID: 18728071, 22045651).

Literature cited by the submitters: PubMed 18728071; PubMed 22045651.